The following is an entry in ClinVar:

NM_170743.4(IFNLR1):c.306G>A (p.Thr102=)

Gene: IFNLR1 (interferon lambda receptor 1; minus strand). Cytogenetic location: 1p36.11.
Variant type: single nucleotide variant.
Coding change: c.306G>A on transcript NM_170743.4 (MANE Select); coding-DNA position 306, G replaced by A.
Protein change: p.Thr102=; no amino-acid change (threonine 102 retained).
Molecular consequence: synonymous variant.
Genome position (GRCh38, 1-based): chr1:24,169,478, C>T on the plus strand (G>A on the coding strand, the complement: IFNLR1 is on the minus strand). VCF-style: chr1-24169478-C-T. GRCh37 (hg19) VCF-style: chr1-24495968-C-T.
Other names: c.306G>A, p.Thr102= (NM_173064.3, NM_173065.3).
Identifiers: ClinVar variation 4987633 (VCV004987633.1).

ClinVar aggregate classification (germline): Likely benign (1 of 4 stars; one submission).

Conditions:
IFNLR1-related disorder. Also called: IFNLR1-related condition.

gnomAD v4.1: 81 of 1,614,056 alleles (0.005%); highest among the groups gnomAD compares: South Asian, 0.035%; 1 homozygote.

Submission:

PreventionGenetics, part of Exact Sciences
Classification: Likely benign for IFNLR1-related condition. Last evaluated: 2026-06-19. Review status: criteria provided, single submitter. Criteria: ACMG Guidelines, 2015. Collection method: clinical testing. Allele origin: germline.
Comment: This variant is classified as likely benign based on ACMG/AMP sequence variant interpretation guidelines (Richards et al. 2015 PMID: 25741868, with internal and published modifications).